The following is an entry in ClinVar:

ClinVar aggregate classification (germline): Uncertain significance (1 of 4 stars; one submission).

Conditions:
Glycogen storage disease, type II (IOPD). Also called: Pompe Disease; Glycogen storage disease type 2; Acid maltase deficiency disease; Aglucosidase alfa; Deficiency of alpha-glucosidase; Deficiency of lysosomal alpha-glucosidase. Identifiers: Orphanet 365, MedGen C0017921, MONDO:0009290, OMIM 232300.

Submission:

Labcorp Genetics (formerly Invitae), Labcorp
Classification: Uncertain significance for Glycogen storage disease, type II. Last evaluated: 2022-01-12. Review status: criteria provided, single submitter. Criteria: Invitae Variant Classification Sherloc (09022015). Collection method: clinical testing. Allele origin: germline.
Comment: This sequence change replaces methionine, which is neutral and non-polar, with threonine, which is neutral and polar, at codon 172 of the GAA protein (p.Met172Thr). This variant is not present in population databases (gnomAD no frequency). This variant has not been reported in the literature in individuals affected with GAA-related conditions. Advanced modeling of protein sequence and biophysical properties (such as structural, functional, and spatial information, amino acid conservation, physicochemical variation, residue mobility, and thermodynamic stability) performed at Invitae indicates that this missense variant is not expected to disrupt GAA protein function. In summary, the available evidence is currently insufficient to determine the role of this variant in disease. Therefore, it has been classified as a Variant of Uncertain Significance.

NM_000152.5(GAA):c.515T>C (p.Met172Thr)

Gene: GAA (alpha glucosidase; plus strand). Cytogenetic location: 17q25.3.
Variant type: single nucleotide variant.
Coding change: c.515T>C on transcript NM_000152.5 (MANE Select); coding-DNA position 515, T replaced by C.
Protein change: p.Met172Thr; replaces methionine 172 with threonine.
Molecular consequence: missense variant.
Genome position (GRCh38, 1-based): chr17:80,105,101, T>C. VCF-style: chr17-80105101-T-C. GRCh37 (hg19) VCF-style: chr17-78078900-T-C.
Other names: c.515T>C, p.Met172Thr (NM_001079803.3, NM_001079804.3, NM_001406741.1 and 1 more transcripts); short protein forms M172T.
Identifiers: ClinVar variation 2083456 (VCV002083456.1), dbSNP rs1417028580, ClinGen allele CA401361732.
Genomic context (GRCh38, chr17:80,105,101, plus strand): 5'-TGACCCGTACCACCCCCACCTTCTTCCCCAAGGACATCCTGACCCTGCGGCTGGACGTGA[T>C]GATGGAGACTGAGAACCGCCTCCACTTCACGGTGGGCAGGGCAGGGGCGGGGGCGGCGGC-3'
Protein context (NP_000143.2, residues 162-182): KDILTLRLDV[Met172Thr]METENRLHFT